The following is an entry in ClinVar:

NM_001754.5(RUNX1):c.488T>G (p.Phe163Cys)

Genes: RUNX1 (RUNX family transcription factor 1; minus strand), RUNX1-AS1 (RUNX1 antisense RNA 1; plus strand). Cytogenetic location: 21q22.12.
Variant type: single nucleotide variant.
Coding change: c.488T>G on transcript NM_001754.5 (MANE Select); coding-DNA position 488, T replaced by G.
Protein change: p.Phe163Cys; replaces phenylalanine 163 with cysteine.
Molecular consequence: missense variant.
Genome position (GRCh38, 1-based): chr21:34,880,577, A>C on the plus strand (T>G on the coding strand, the complement: RUNX1 is on the minus strand). VCF-style: chr21-34880577-A-C. GRCh37 (hg19) VCF-style: chr21-36252874-A-C.
Other names: NM_001754.4(RUNX1):c.488T>G; p.Phe163Cys; NM_001754.5(RUNX1):c.488T>G; c.407T>G, p.Phe136Cys (NM_001001890.3, NM_001122607.2); short protein forms F163C, F136C.
Identifiers: ClinVar variation 575111 (VCV000575111.11), dbSNP rs1569078862, ClinGen allele CA410202504.

ClinVar aggregate classification (germline): Uncertain significance. Review status: reviewed by expert panel (3 of 4 stars). 2 submissions from 2 submitters: Uncertain significance (1). 1 of the submissions does not count toward it. Last evaluated 2025-05-02.

Conditions:
Hereditary thrombocytopenia and hematologic cancer predisposition syndrome. Identifiers: Orphanet 71290, MedGen CN281654, MONDO:0011071.
Hereditary thrombocytopenia and hematological cancer predisposition syndrome associated with RUNX1. Also called: Familial Platelet Disorder with Propensity to Acute Myelogenous Leukemia; Familial thrombocytopenia with propensity to acute myelogenous leukemia; PLATELET DISORDER, ASPIRIN-LIKE; RUNX1 Familial Platelet Disorder with Associated Myeloid Malignancies. Identifiers: Orphanet 71290, MedGen C1832388, MeSH C563324, MONDO:0100083, OMIM 601399.

Submissions (2):

ClinGen Myeloid Malignancy Variant Curation Expert Panel
Classification: Uncertain significance for Hereditary thrombocytopenia and hematologic cancer predisposition syndrome. Last evaluated: 2025-05-02. Review status: reviewed by expert panel. Criteria: ClinGen MyeloMalig ACMG Specifications v2. Collection method: curation. Allele origin: germline. Inheritance: Autosomal dominant inheritance.
Comment: NM_001754.5(RUNX1):c.488T>G (p.Phe163Cys) is a missense variant which is completely absent from all population databases with at least 20x coverage for RUNX1 (PM2_Supporting). This variant has a REVEL score ≥ 0.88 (0.986) (PP3). This missense variant is located within the Runt Homology Domain (AA 89–204), but does not occur in an established hotspot residue (PM1_Supporting). In summary, the clinical significance of this variant is uncertain. ACMG/AMP criteria applied, as specified by the Myeloid Malignancy Variant Curation Expert Panel for RUNX1: PM2_Supporting, PP3, PM1_Supporting.

Labcorp Genetics (formerly Invitae), Labcorp
Classification: Uncertain significance for Hereditary thrombocytopenia and hematological cancer predisposition syndrome associated with RUNX1. Last evaluated: 2018-05-09. Review status: criteria provided, single submitter. Criteria: Invitae Variant Classification Sherloc (09022015). Collection method: clinical testing. Allele origin: germline. Not counted in ClinVar's aggregate classification.
Comment: In summary, the available evidence is currently insufficient to determine the role of this variant in disease. Therefore, it has been classified as a Variant of Uncertain Significance. Algorithms developed to predict the effect of missense changes on protein structure and function do not agree on the potential impact of this missense change (SIFT: "Deleterious"; PolyPhen-2: "Probably Damaging"; Align-GVGD: "Class C0"). This variant has not been reported in the literature in individuals with RUNX1-related disease. This variant is not present in population databases (ExAC no frequency). This sequence change replaces phenylalanine with cysteine at codon 163 of the RUNX1 protein (p.Phe163Cys). The phenylalanine residue is moderately conserved and there is a large physicochemical difference between phenylalanine and cysteine.